The following is an entry in ClinVar:

ClinVar aggregate classification (germline): Benign/Likely benign. Review status: criteria provided, multiple submitters, no conflicts (2 of 4 stars). 3 submissions from 3 submitters: Benign (1); Likely benign (2). Last evaluated 2025-12-21.

Conditions:
Dilated cardiomyopathy 1O (CMD1O). Also called: CARDIOMYOPATHY, DILATED, WITH VENTRICULAR TACHYCARDIA. Identifiers: Orphanet 154, MedGen C1837839, MONDO:0012062, OMIM 608569.

Allele frequency attached by ClinVar (database versions not stated): ExAC 0.00006; gnomAD 0.00006 and 0.00007; gnomAD exomes 0.00008; TOPMed 0.00009.
gnomAD v4.1: 239 of 1,424,962 alleles (0.017%); highest among the groups gnomAD compares: Non-Finnish European, 0.023%; no homozygotes.

Submissions (3):

Labcorp Genetics (formerly Invitae), Labcorp
Classification: Likely benign for Dilated cardiomyopathy 1O. Last evaluated: 2025-12-21. Review status: criteria provided, single submitter. Criteria: Invitae Variant Classification Sherloc (09022015). Collection method: clinical testing. Allele origin: germline.

Blueprint Genetics
Classification: Likely benign. Last evaluated: 2023-12-18. Review status: criteria provided, single submitter. Criteria: ACMG Guidelines, 2015. Collection method: clinical testing. Allele origin: germline.

Women's Health and Genetics/Laboratory Corporation of America, LabCorp
Classification: Benign. Last evaluated: 2020-06-10. Review status: criteria provided, single submitter. Criteria: LabCorp Variant Classification Summary - May 2015. Collection method: clinical testing. Allele origin: germline.
Comment: Variant summary: ABCC9 c.4212-18A>C alters a non-conserved nucleotide located close to a canonical splice site and therefore could affect mRNA splicing, leading to a significantly altered protein sequence. 4/4 computational tools predict no significant impact on normal splicing. However, these predictions have yet to be confirmed by functional studies. The variant allele was found at a frequency of 7.7e-05 in 247190 control chromosomes. The observed variant frequency is approximately 3.0 fold of the estimated maximal expected allele frequency for a pathogenic variant in ABCC9 causing Cardiomyopathy phenotype (2.5e-05), strongly suggesting that the variant is benign. To our knowledge, no occurrence of c.4212-18A>C in individuals affected with Cardiomyopathy and no experimental evidence demonstrating its impact on protein function have been reported. No clinical diagnostic laboratories have submitted clinical-significance assessments for this variant to ClinVar after 2014. Based on the evidence outlined above, the variant was classified as benign.

NM_020297.4(ABCC9):c.4212-18A>C

Genes: ABCC9 (ATP binding cassette subfamily C member 9; minus strand), KCNJ8-AS1 (KCNJ8 antisense RNA 1; plus strand). Cytogenetic location: 12p12.1.
Variant type: single nucleotide variant.
Coding change: c.4212-18A>C on transcript NM_020297.4 (MANE Select); 18 bases into the intron before coding-DNA position 4212, A replaced by C.
Molecular consequence: intron variant.
Genome position (GRCh38, 1-based): chr12:21,809,973, T>G on the plus strand (A>C on the coding strand, the complement: ABCC9 is on the minus strand). VCF-style: chr12-21809973-T-G. GRCh37 (hg19) VCF-style: chr12-21962907-T-G.
Other names: c.3345-18A>C (NM_001377274.1); c.4212-18A>C (NM_005691.4, NM_001377273.1).
Identifiers: ClinVar variation 933169 (VCV000933169.9), dbSNP rs761501699, ClinGen allele CA6480902.